The following is an entry in ClinVar:

NM_001257180.2(SLC20A2):c.74G>C (p.Gly25Ala)

Gene: SLC20A2 (solute carrier family 20 member 2; minus strand). Cytogenetic location: 8p11.21.
Variant type: single nucleotide variant.
Coding change: c.74G>C on transcript NM_001257180.2 (MANE Select); coding-DNA position 74, G replaced by C.
Protein change: p.Gly25Ala; replaces glycine 25 with alanine.
Molecular consequence: missense variant.
Genome position (GRCh38, 1-based): chr8:42,472,317, C>G on the plus strand (G>C on the coding strand, the complement: SLC20A2 is on the minus strand). VCF-style: chr8-42472317-C-G. GRCh37 (hg19) VCF-style: chr8-42329835-C-G.
Other names: c.74G>C, p.Gly25Ala (NM_001257181.2, NM_006749.5); short protein forms G25A.
Identifiers: ClinVar variation 3651118 (VCV003651118.2).

ClinVar aggregate classification (germline): Uncertain significance (1 of 4 stars; one submission).

Submission:

Labcorp Genetics (formerly Invitae), Labcorp
Classification: Uncertain significance. Last evaluated: 2024-08-22. Review status: criteria provided, single submitter. Criteria: Invitae Variant Classification Sherloc (09022015). Collection method: clinical testing. Allele origin: germline.
Comment: This sequence change replaces glycine, which is neutral and non-polar, with alanine, which is neutral and non-polar, at codon 25 of the SLC20A2 protein (p.Gly25Ala). This variant is not present in population databases (gnomAD no frequency). This variant has not been reported in the literature in individuals affected with SLC20A2-related conditions. Invitae Evidence Modeling of protein sequence and biophysical properties (such as structural, functional, and spatial information, amino acid conservation, physicochemical variation, residue mobility, and thermodynamic stability) indicates that this missense variant is expected to disrupt SLC20A2 protein function with a positive predictive value of 80%. In summary, the available evidence is currently insufficient to determine the role of this variant in disease. Therefore, it has been classified as a Variant of Uncertain Significance.